The following is an entry in ClinVar:

ClinVar aggregate classification (germline): Uncertain significance. Review status: criteria provided, multiple submitters, no conflicts (2 of 4 stars). 6 submissions from 6 submitters: Uncertain significance (6). Last evaluated 2025-06-13.

Conditions:
Familial thoracic aortic aneurysm and aortic dissection (TAAD). Also called: Thoracic aortic aneurysms and dissections. Identifiers: Orphanet 91387, MedGen C4707243, MONDO:0019625.
Colorectal cancer, hereditary nonpolyposis, type 6. Also called: Colon cancer, hereditary nonpolyposis, type 6; Colon cancer, hereditary nonpolyposis, type 6, somatic. Identifiers: Orphanet 144, MedGen C1860896, MONDO:0013695, OMIM 614331.
Malignant tumor of esophagus. Also called: Esophageal cancer, somatic; Esophageal cancer. Identifiers: Orphanet 99977, MedGen C0546837, MONDO:0007576, OMIM 133239.
Loeys-Dietz syndrome 2 (LDS2). Also called: TGFBR2-Related Loeys-Dietz Syndrome; Marfan Syndrome type 2; Marfan like connective tissue disorder; MFS 2; Marfan syndrome, type 2 (formerly); AORTIC ANEURYSM, FAMILIAL THORACIC 3. Identifiers: Orphanet 284973, Orphanet 558, MedGen C2674574, MONDO:0012427, OMIM 610168.

Allele frequency attached by ClinVar (database versions not stated): gnomAD exomes below 0.00001 and 0.00001; gnomAD 0.00001; ExAC 0.00002; TOPMed 0.00002.
gnomAD v4.1: 6 of 1,614,034 alleles (0.00037%); highest among the groups gnomAD compares: African/African-American, 0.008%; no homozygotes.

Submissions (6):

Labcorp Genetics (formerly Invitae), Labcorp
Classification: Uncertain significance for Familial thoracic aortic aneurysm and aortic dissection. Last evaluated: 2025-06-13. Review status: criteria provided, single submitter. Criteria: Invitae Variant Classification Sherloc (09022015). Collection method: clinical testing. Allele origin: germline.
Comment: This sequence change replaces glycine, which is neutral and non-polar, with tryptophan, which is neutral and slightly polar, at codon 549 of the TGFBR2 protein (p.Gly549Trp). This variant is present in population databases (rs748418894, gnomAD 0.02%). This variant has not been reported in the literature in individuals affected with TGFBR2-related conditions. ClinVar contains an entry for this variant (Variation ID: 496207). Invitae Evidence Modeling of protein sequence and biophysical properties (such as structural, functional, and spatial information, amino acid conservation, physicochemical variation, residue mobility, and thermodynamic stability) has been performed for this missense variant. However, the output from this modeling did not meet the statistical confidence thresholds required to predict the impact of this variant on TGFBR2 protein function. In summary, the available evidence is currently insufficient to determine the role of this variant in disease. Therefore, it has been classified as a Variant of Uncertain Significance.

Ambry Genetics
Classification: Uncertain significance for Familial thoracic aortic aneurysm and aortic dissection. Last evaluated: 2024-12-14. Review status: criteria provided, single submitter. Criteria: Ambry Variant Classification Scheme 2023. Collection method: clinical testing. Allele origin: germline.
Comment: The p.G549W variant (also known as c.1645G>T), located in coding exon 7 of the TGFBR2 gene, results from a G to T substitution at nucleotide position 1645. The glycine at codon 549 is replaced by tryptophan, an amino acid with highly dissimilar properties. This amino acid position is conserved. In addition, the in silico prediction for this alteration is inconclusive. Based on the available evidence, the clinical significance of this variant remains unclear.

All of Us Research Program, National Institutes of Health
Classification: Uncertain significance for Loeys-Dietz syndrome 2. Last evaluated: 2023-05-16. Review status: criteria provided, single submitter. Criteria: ACMG Guidelines, 2015. Collection method: clinical testing. Allele origin: germline. Inheritance: Autosomal dominant inheritance. Observed: 1 variant allele, 1 heterozygote.
Comment: This missense variant replaces glycine with tryptophan at codon 574 of the TGFBR2 protein. Computational prediction tools and conservation analyses are inconclusive regarding the impact of this variant on protein structure and function. Splice site prediction tools suggest that this variant may not impact RNA splicing. To our knowledge, functional studies have not been performed for this variant. This variant has not been reported in individuals affected with cardiovascular disorders in the literature. This variant has been identified in 3/251202 chromosomes in the general population by the Genome Aggregation Database (gnomAD). The available evidence is insufficient to determine the role of this variant in disease conclusively. Therefore, this variant is classified as a Variant of Uncertain Significance.

This study involves interpretation of variants in research participants for the purpose of population health screening. Participant phenotype was not available at the time of variant classification. Additional details can be found in publication PMID: 35346344, PMCID: PMC8962531

Color Diagnostics, LLC DBA Color Health
Classification: Uncertain significance for Familial thoracic aortic aneurysm and aortic dissection. Last evaluated: 2023-04-27. Review status: criteria provided, single submitter. Criteria: ACMG Guidelines, 2015. Collection method: clinical testing. Allele origin: germline.
Comment: This missense variant replaces glycine with tryptophan at codon 549 of the TGFBR2 protein. Computational prediction suggests that this variant may not impact protein structure and function (internally defined REVEL score threshold <= 0.5, PMID: 27666373). To our knowledge, functional studies have not been reported for this variant. This variant has not been reported in individuals affected with TGFBR2-related disorders in the literature. This variant has been identified in 3/251202 chromosomes in the general population by the Genome Aggregation Database (gnomAD). The available evidence is insufficient to determine the role of this variant in disease conclusively. Therefore, this variant is classified as a Variant of Uncertain Significance.

Fulgent Genetics
Classification: Uncertain significance for Malignant tumor of esophagus; Loeys-Dietz syndrome 2; Colorectal cancer, hereditary nonpolyposis, type 6. Last evaluated: 2021-08-13. Review status: criteria provided, single submitter. Criteria: ACMG Guidelines, 2015. Collection method: clinical testing. Allele origin: unknown.

Women's Health and Genetics/Laboratory Corporation of America, LabCorp
Classification: Uncertain significance. Last evaluated: 2017-03-06. Review status: criteria provided, single submitter. Criteria: LabCorp Variant Classification Summary - May 2015. Collection method: clinical testing. Allele origin: germline.
Comment: Variant summary: The TGFBR2 c.1645G>T (p.Gly549Trp) variant involves the alteration of a conserved nucleotide. 1/4 in silico tools predict a benign outcome for this variant (SNPs&GO not captured due to low reliability index). This variant was found in 2/121354 control chromosomes at a frequency of 0.0000165, which is approximately 13 times the estimated maximal expected allele frequency of a pathogenic TGFBR2 variant (0.0000013), suggesting this variant is likely a benign polymorphism, although the allele number of 2 is very low. gnoMAD lists variant with MAF of 3/245956 chr. The variant of interest has not, to our knowledge, been reported in affected individuals via publications and/or reputable databases/clinical diagnostic laboratories; nor evaluated for functional impact by in vivo/vitro studies. Taken together, this variant is classified as VUS-possibly benign.

NM_003242.6(TGFBR2):c.1645G>T (p.Gly549Trp)

Gene: TGFBR2 (transforming growth factor beta receptor 2; plus strand). Cytogenetic location: 3p24.1.
Variant type: single nucleotide variant.
Coding change: c.1645G>T on transcript NM_003242.6 (MANE Select); coding-DNA position 1645, G replaced by T.
Protein change: p.Gly549Trp; replaces glycine 549 with tryptophan.
Molecular consequence: missense variant.
Genome position (GRCh38, 1-based): chr3:30,691,540, G>T. VCF-style: chr3-30691540-G-T. GRCh37 (hg19) VCF-style: chr3-30733032-G-T.
Other names: c.1720G>T, p.Gly574Trp (NM_001024847.3); c.1828G>T, p.Gly610Trp (NM_001407126.1); c.1753G>T, p.Gly585Trp (NM_001407127.1); c.1672G>T, p.Gly558Trp (NM_001407128.1); c.1648G>T, p.Gly550Trp (NM_001407129.1); c.1642G>T, p.Gly548Trp (NM_001407130.1); c.1540G>T, p.Gly514Trp (NM_001407132.1, NM_001407133.1, NM_001407134.1 and 2 more transcripts); c.1360G>T, p.Gly454Trp (NM_001407137.1); and 2 more; short protein forms G549W, G574W, G259W, G514W, G548W, G558W, G585W, G610W.
Identifiers: ClinVar variation 496207 (VCV000496207.11), dbSNP rs748418894, ClinGen allele CA047200.